The following is an entry in ClinVar:

ClinVar aggregate classification (germline): Benign/Likely benign. Review status: criteria provided, multiple submitters, no conflicts (2 of 4 stars). 3 submissions from 3 submitters: Benign (1); Likely benign (2). Last evaluated 2024-07-31.

Conditions:
Hereditary cancer-predisposing syndrome. Also called: Hereditary neoplastic syndrome; Neoplastic Syndromes, Hereditary; Tumor predisposition; Hereditary Cancer Syndrome. Identifiers: Orphanet 140162, MedGen C0027672, MeSH D009386, MONDO:0015356.
Juvenile polyposis syndrome (JPS). Identifiers: Orphanet 2929, MedGen C0345893, MONDO:0017380, OMIM 174900.

Submissions (3):

Myriad Genetics, Inc.
Classification: Benign for Juvenile polyposis syndrome. Last evaluated: 2024-07-31. Review status: criteria provided, single submitter. Criteria: Myriad Autosomal Dominant, Autosomal Recessive and X-Linked Classification Criteria (2023). Collection method: clinical testing. Allele origin: unknown.
Comment: This variant is considered benign. This variant is a silent/synonymous amino acid change and it is not expected to impact splicing.

Ambry Genetics
Classification: Likely benign for Hereditary cancer-predisposing syndrome. Last evaluated: 2024-04-17. Review status: criteria provided, single submitter. Criteria: Ambry Variant Classification Scheme 2023. Collection method: clinical testing. Allele origin: germline.

All of Us Research Program, National Institutes of Health
Classification: Likely benign for Juvenile polyposis syndrome. Last evaluated: 2023-07-10. Review status: criteria provided, single submitter. Criteria: ACMG Guidelines, 2015. Collection method: clinical testing. Allele origin: germline. Inheritance: Autosomal dominant inheritance. Observed: 1 variant allele, 1 heterozygote.
Comment: This study involves interpretation of variants in research participants for the purpose of population health screening. Participant phenotype was not available at the time of variant classification. Additional details can be found in publication PMID: 35346344, PMCID: PMC8962531

NM_004329.3(BMPR1A):c.321T>C (p.Asp107=)

Gene: BMPR1A (bone morphogenetic protein receptor type 1A; plus strand). Cytogenetic location: 10q23.2.
Variant type: single nucleotide variant.
Coding change: c.321T>C on transcript NM_004329.3 (MANE Select); coding-DNA position 321, T replaced by C.
Protein change: p.Asp107=; no amino-acid change (aspartic acid 107 retained).
Molecular consequence: synonymous variant. On other transcripts: non-coding transcript variant (3).
Genome position (GRCh38, 1-based): chr10:86,892,217, T>C. VCF-style: chr10-86892217-T-C. GRCh37 (hg19) VCF-style: chr10-88651974-T-C.
Other names: c.321T>C, p.Asp107= (NM_001406568.1, NM_001406569.1, NM_001406570.1 and 23 more transcripts); c.237T>C, p.Asp79= (NM_001406584.1, NM_001406585.1, NM_001406586.1 and 2 more transcripts).
Identifiers: ClinVar variation 3072325 (VCV003072325.3), dbSNP rs2539446592, ClinGen allele CA470305214.